The following is an entry in ClinVar:

NM_004385.5(VCAN):c.6032C>T (p.Ser2011Leu)

Genes: VCAN (versican; plus strand), VCAN-AS1 (VCAN antisense RNA 1; minus strand). Cytogenetic location: 5q14.3.
Variant type: single nucleotide variant.
Coding change: c.6032C>T on transcript NM_004385.5 (MANE Select); coding-DNA position 6032, C replaced by T.
Protein change: p.Ser2011Leu; replaces serine 2011 with leucine.
Molecular consequence: missense variant. On other transcripts: intron variant (2).
Genome position (GRCh38, 1-based): chr5:83,539,035, C>T. VCF-style: chr5-83539035-C-T. GRCh37 (hg19) VCF-style: chr5-82834854-C-T.
Other names: c.3071C>T, p.Ser1024Leu (NM_001164097.2); c.4004-6502C>T (NM_001164098.2); c.1043-6502C>T (NM_001126336.3); short protein forms S2011L, S1024L.
Identifiers: ClinVar variation 962450 (VCV000962450.9), dbSNP rs1746847928, ClinGen allele CA360311686.

ClinVar aggregate classification (germline): Uncertain significance (1 of 4 stars; one submission).

Submission:

Labcorp Genetics (formerly Invitae), Labcorp
Classification: Uncertain significance. Last evaluated: 2024-08-05. Review status: criteria provided, single submitter. Criteria: Invitae Variant Classification Sherloc (09022015). Collection method: clinical testing. Allele origin: germline.
Comment: This sequence change replaces serine, which is neutral and polar, with leucine, which is neutral and non-polar, at codon 2011 of the VCAN protein (p.Ser2011Leu). This variant is not present in population databases (gnomAD no frequency). This variant has not been reported in the literature in individuals affected with VCAN-related conditions. ClinVar contains an entry for this variant (Variation ID: 962450). An algorithm developed to predict the effect of missense changes on protein structure and function (PolyPhen-2) suggests that this variant is likely to be disruptive. In summary, the available evidence is currently insufficient to determine the role of this variant in disease. Therefore, it has been classified as a Variant of Uncertain Significance.